The following is an entry in ClinVar:

ClinVar aggregate classification (germline): Uncertain significance. Review status: criteria provided, multiple submitters, no conflicts (2 of 4 stars). 3 submissions from 3 submitters: Uncertain significance (3). Last evaluated 2022-10-15.

Conditions:
Inborn genetic diseases. Identifiers: MedGen C0950123, MeSH D030342.

Allele frequency attached by ClinVar (database versions not stated): gnomAD exomes 0.00001; ExAC 0.00003; ESP Exome Variant Server 0.00008; gnomAD 0.00012; 1000 Genomes Project 30x 0.00016; TOPMed 0.00018.
gnomAD v4.1: 43 of 1,614,020 alleles (0.0027%); highest among the groups gnomAD compares: African/African-American, 0.045%; no homozygotes.

Submissions (3):

Labcorp Genetics (formerly Invitae), Labcorp
Classification: Uncertain significance. Last evaluated: 2022-10-15. Review status: criteria provided, single submitter. Criteria: Invitae Variant Classification Sherloc (09022015). Collection method: clinical testing. Allele origin: germline.
Comment: In summary, the available evidence is currently insufficient to determine the role of this variant in disease. Therefore, it has been classified as a Variant of Uncertain Significance. This sequence change replaces aspartic acid, which is acidic and polar, with glycine, which is neutral and non-polar, at codon 128 of the UCHL1 protein (p.Asp128Gly). This variant is present in population databases (rs376624356, gnomAD 0.05%). This variant has not been reported in the literature in individuals affected with UCHL1-related conditions. Algorithms developed to predict the effect of missense changes on protein structure and function are either unavailable or do not agree on the potential impact of this missense change (SIFT: "Tolerated"; PolyPhen-2: "Possibly Damaging"; Align-GVGD: "Class C15").

Ambry Genetics
Classification: Uncertain significance for Inborn genetic diseases. Last evaluated: 2021-08-12. Review status: criteria provided, single submitter. Criteria: Ambry Variant Classification Scheme 2023. Collection method: clinical testing. Allele origin: germline.

Breakthrough Genomics
Classification: Uncertain significance. Review status: criteria provided, single submitter. Criteria: ACMG Guidelines, 2015. Collection method: not provided. Allele origin: germline. Inheritance: Autosomal recessive inheritance. Affected: yes.

NM_004181.5(UCHL1):c.383A>G (p.Asp128Gly)

Gene: UCHL1 (ubiquitin C-terminal hydrolase L1; plus strand). Cytogenetic location: 4p13.
Variant type: single nucleotide variant.
Coding change: c.383A>G on transcript NM_004181.5 (MANE Select); coding-DNA position 383, A replaced by G.
Protein change: p.Asp128Gly; replaces aspartic acid 128 with glycine.
Molecular consequence: missense variant.
Genome position (GRCh38, 1-based): chr4:41,261,772, A>G. VCF-style: chr4-41261772-A-G. GRCh37 (hg19) VCF-style: chr4-41263789-A-G.
Other names: c.383A>G (NM_004181.4); short protein forms D128G.
Identifiers: ClinVar variation 2174071 (VCV002174071.6), dbSNP rs376624356, ClinGen allele CA2899995.